The following is an entry in ClinVar:

ClinVar aggregate classification (germline): Pathogenic (1 of 4 stars; one submission).

Submission:

Labcorp Genetics (formerly Invitae), Labcorp
Classification: Pathogenic. Last evaluated: 2024-11-25. Review status: criteria provided, single submitter. Criteria: Invitae Variant Classification Sherloc (09022015). Collection method: clinical testing. Allele origin: germline.
Comment: This sequence change creates a premature translational stop signal (p.Ser625Argfs*8) in the SZT2 gene. It is expected to result in an absent or disrupted protein product. Loss-of-function variants in SZT2 are known to be pathogenic (PMID: 23932106, 27248490, 28556953). This variant is not present in population databases (gnomAD no frequency). This variant has not been reported in the literature in individuals affected with SZT2-related conditions. For these reasons, this variant has been classified as Pathogenic.

Literature cited by the submitters: PubMed 23932106; PubMed 27248490; PubMed 28556953.

NM_001365999.1(SZT2):c.1867_1874dup (p.Ser625fs)

Gene: SZT2 (SZT2 subunit of KICSTOR complex; plus strand). Cytogenetic location: 1p34.2.
Variant type: Duplication.
Coding change: c.1867_1874dup on transcript NM_001365999.1 (MANE Select); coding-DNA positions 1867 to 1874, 8 bases duplicated (GACTGGAG; older notation c.1867_1874dupGACTGGAG).
Protein change: p.Ser625fs; shifts the reading frame from serine 625.
Molecular consequence: frameshift variant.
Genome position (GRCh38, 1-based): chr1:43,422,577-43,422,584, GACTGGAG duplicated; duplicating any 8 consecutive bases within chr1:43,422,576-43,422,584 gives the same sequence; the c. name uses the placement nearest the transcript's 3' end. VCF-style (leftmost placement, unchanged base first): chr1-43422575-G-GGGACTGGA. GRCh37 (hg19) VCF-style: chr1-43888246-G-GGGACTGGA.
Other names: c.1867_1874dup, p.Ser625fs (NM_015284.4); short protein forms S625fs.
Identifiers: ClinVar variation 3726055 (VCV003726055.2).